The following is an entry in ClinVar:

ClinVar aggregate classification (germline): Uncertain significance (1 of 4 stars; one submission).

Conditions:
Neuromuscular disease caused by qualitative or quantitative defects of dysferlin. Also called: Dysferlinopathy; Qualitative or quantitative defects of dysferlin. Identifiers: Orphanet 207073, MedGen C2931687, MONDO:0016145.

Submission:

Labcorp Genetics (formerly Invitae), Labcorp
Classification: Uncertain significance for Neuromuscular disease caused by qualitative or quantitative defects of dysferlin. Last evaluated: 2022-04-10. Review status: criteria provided, single submitter. Criteria: Invitae Variant Classification Sherloc (09022015). Collection method: clinical testing. Allele origin: germline.
Comment: Advanced modeling of protein sequence and biophysical properties (such as structural, functional, and spatial information, amino acid conservation, physicochemical variation, residue mobility, and thermodynamic stability) performed at Invitae indicates that this missense variant is not expected to disrupt DYSF protein function. In summary, the available evidence is currently insufficient to determine the role of this variant in disease. Therefore, it has been classified as a Variant of Uncertain Significance. This variant has not been reported in the literature in individuals affected with DYSF-related conditions. This variant is not present in population databases (gnomAD no frequency). This sequence change replaces serine, which is neutral and polar, with phenylalanine, which is neutral and non-polar, at codon 1353 of the DYSF protein (p.Ser1353Phe).

NM_001130987.2(DYSF):c.4112C>T (p.Ser1371Phe)

Gene: DYSF (dysferlin; plus strand). Cytogenetic location: 2p13.2.
Variant type: single nucleotide variant.
Coding change: c.4112C>T on transcript NM_001130987.2 (MANE Select); coding-DNA position 4112, C replaced by T.
Protein change: p.Ser1371Phe; replaces serine 1371 with phenylalanine.
Molecular consequence: missense variant.
Genome position (GRCh38, 1-based): chr2:71,611,517, C>T. VCF-style: chr2-71611517-C-T. GRCh37 (hg19) VCF-style: chr2-71838647-C-T.
Other names: c.4154C>T, p.Ser1385Phe (NM_001130982.2); c.4061C>T, p.Ser1354Phe (NM_001130983.2, NM_001130455.2); c.4019C>T, p.Ser1340Phe (NM_001130984.2, NM_001130986.2); c.4058C>T, p.Ser1353Phe (NM_003494.4, NM_001130978.2); c.4112C>T, p.Ser1371Phe (NM_001130985.2); c.4016C>T, p.Ser1339Phe (NM_001130976.2, NM_001130977.2); c.4151C>T, p.Ser1384Phe (NM_001130979.2); c.4109C>T, p.Ser1370Phe (NM_001130980.2, NM_001130981.2); short protein forms S1339F, S1353F, S1371F, S1340F, S1354F, S1370F, S1384F, S1385F.
Identifiers: ClinVar variation 2152669 (VCV002152669.4), dbSNP rs995301244, ClinGen allele CA347228496.